The following is an entry in ClinVar:

NM_000124.4(ERCC6):c.3591_3592dup (p.Lys1198fs)

Gene: ERCC6 (ERCC excision repair 6, chromatin remodeling factor; minus strand). Cytogenetic location: 10q11.23.
Variant type: Microsatellite.
Coding change: c.3591_3592dup on transcript NM_000124.4 (MANE Select); coding-DNA positions 3591 to 3592, 2 bases duplicated (GA; older notation c.3591_3592dupGA).
Protein change: p.Lys1198fs; shifts the reading frame from lysine 1198.
Molecular consequence: frameshift variant.
Genome position (GRCh38, 1-based): chr10:49,470,368-49,470,369, TC duplicated on the plus strand (GA on the coding strand, the reverse complement: ERCC6 is on the minus strand); duplicating any 2 consecutive bases within chr10:49,470,368-49,470,371 gives the same sequence; the c. name uses the placement nearest the transcript's 3' end. VCF-style (leftmost placement, unchanged base first): chr10-49470367-T-TTC. GRCh37 (hg19) VCF-style: chr10-50678413-T-TTC.
Other names: c.3591_3592dup, p.Lys1198fs (NM_001346440.2); short protein forms K1198fs.
Identifiers: ClinVar variation 558059 (VCV000558059.10), dbSNP rs1287286877, ClinGen allele CA593780445.

ClinVar aggregate classification (germline): Pathogenic. Review status: criteria provided, single submitter (1 of 4 stars). 2 submissions from 2 submitters: Pathogenic (1). 1 of the submissions does not count toward it. Last evaluated 2023-09-05.

Conditions:
DE SANCTIS-CACCHIONE SYNDROME. Identifiers: MedGen C0265201, MONDO:0010217, OMIM 278800.
Cockayne syndrome type 2 (CSB). Also called: Cockayne Syndrome, Type II; COCKAYNE SYNDROME B. Identifiers: Orphanet 191, Orphanet 90322, MedGen C0751038, MONDO:0019570, OMIM 133540.
Cerebrooculofacioskeletal syndrome 1 (COFS1). Also called: Cerebro-oculo-facio-skeletal syndrome 1. Identifiers: MedGen C0220722, MONDO:0008955, OMIM 214150.

Submissions (2):

Labcorp Genetics (formerly Invitae), Labcorp
Classification: Pathogenic. Last evaluated: 2023-09-05. Review status: criteria provided, single submitter. Criteria: Invitae Variant Classification Sherloc (09022015). Collection method: clinical testing. Allele origin: germline.
Comment: For these reasons, this variant has been classified as Pathogenic. This premature translational stop signal has been observed in individual(s) with Cockayne syndrome (PMID: 19894250). This variant is present in population databases (no rsID available, gnomAD 0.0009%). This sequence change creates a premature translational stop signal (p.Lys1198Argfs*4) in the ERCC6 gene. It is expected to result in an absent or disrupted protein product. Loss-of-function variants in ERCC6 are known to be pathogenic (PMID: 18628313, 29572252).

Counsyl
Classification: Likely pathogenic for Cockayne syndrome type 2; Cerebrooculofacioskeletal syndrome 1; DE SANCTIS-CACCHIONE SYNDROME. Last evaluated: 2018-04-26. Review status: no assertion criteria provided. Collection method: clinical testing. Allele origin: unknown. Not counted in ClinVar's aggregate classification.

Literature cited by the submitters: PubMed 19894250 (cited by Labcorp Genetics (formerly Invitae), Labcorp and Counsyl); PubMed 18628313 (cited by Labcorp Genetics (formerly Invitae), Labcorp); PubMed 29572252 (cited by Labcorp Genetics (formerly Invitae), Labcorp).